The following is an entry in ClinVar:

ClinVar aggregate classification (germline): Conflicting classifications of pathogenicity. Review status: criteria provided, conflicting classifications (1 of 4 stars). 10 submissions from 10 submitters: Uncertain significance (7); Likely benign (3). Last evaluated 2026-02-24.

Conditions:
Cardiovascular phenotype. Identifiers: MedGen CN230736.
Becker muscular dystrophy (BMD). Also called: Becker Muscular Dystrophy (BMD); MUSCULAR DYSTROPHY, PSEUDOHYPERTROPHIC PROGRESSIVE, BECKER TYPE. Identifiers: Orphanet 98895, MedGen C0917713, MONDO:0010311, OMIM 300376.
Dilated cardiomyopathy 3B (CMD3B). Also called: CMD3B: DMD-Related Dilated Cardiomyopathy; CARDIOMYOPATHY, DILATED, X-LINKED; DMD-Associated Dilated Cardiomyopathy. Identifiers: Orphanet 154, MedGen C3668940, MONDO:0010542, OMIM 302045.
Duchenne muscular dystrophy (DMD). Also called: Duchenne Muscular Dystrophy (DMD); MUSCULAR DYSTROPHY, PSEUDOHYPERTROPHIC PROGRESSIVE, DUCHENNE TYPE. Identifiers: Orphanet 98896, MedGen C0013264, MONDO:0010679, OMIM 310200.

Allele frequency attached by ClinVar (database versions not stated): ExAC 0.00007; 1000 Genomes Project 30x 0.00021; gnomAD exomes 0.00005 and 0.00025; ESP Exome Variant Server 0.00009; gnomAD 0.00011; 1000 Genomes Project 0.00026; TOPMed 0.00008.
gnomAD v4.1: 280 of 1,206,699 alleles (0.023%); highest among the groups gnomAD compares: Non-Finnish European, 0.03%; no homozygotes.

Submissions (10):

Ambry Genetics
Classification: Uncertain significance for Cardiovascular phenotype. Last evaluated: 2026-02-24. Review status: criteria provided, single submitter. Criteria: Ambry Variant Classification Scheme 2023. Collection method: clinical testing. Allele origin: germline.

Labcorp Genetics (formerly Invitae), Labcorp
Classification: Likely benign for Duchenne muscular dystrophy. Last evaluated: 2026-01-12. Review status: criteria provided, single submitter. Criteria: Invitae Variant Classification Sherloc (09022015). Collection method: clinical testing. Allele origin: germline.

Mayo Clinic Laboratories, Mayo Clinic
Classification: Uncertain significance. Last evaluated: 2025-09-26. Review status: criteria provided, single submitter. Criteria: ACMG Guidelines, 2015. Collection method: clinical testing. Allele origin: germline. Observed: 1 variant allele.
Comment: BS2, PP3_moderate

Women's Health and Genetics/Laboratory Corporation of America, LabCorp
Classification: Uncertain significance. Last evaluated: 2024-01-11. Review status: criteria provided, single submitter. Criteria: LabCorp Variant Classification Summary - May 2015. Collection method: clinical testing. Allele origin: germline.
Comment: Variant summary: DMD c.295A>G (p.Ile99Val) results in a conservative amino acid change in the encoded protein sequence. Four of five in-silico tools predict a damaging effect of the variant on protein function. The variant allele was found at a frequency of 6.3e-05 in 205192 control chromosomes including 3 hemizygotes, predominantly at a frequency of 0.00026 within the African or African-American subpopulation in the gnomAD database. The available data on variant occurrences in the general population are insufficient to allow any conclusion about variant significance. To our knowledge, no occurrence of c.295A>G in individuals affected with Dystrophinopathies and no experimental evidence demonstrating its impact on protein function have been reported. ClinVar contains an entry for this variant (Variation ID: 166867). Based on the evidence outlined above, the variant was classified as VUS-possibly benign.

GeneDx
Classification: Likely benign. Last evaluated: 2023-08-30. Review status: criteria provided, single submitter. Criteria: GeneDx Variant Classification Process June 2021. Collection method: clinical testing. Allele origin: germline. Affected: yes.
Comment: See Variant Classification Assertion Criteria.

Blueprint Genetics
Classification: Likely benign. Last evaluated: 2023-02-15. Review status: criteria provided, single submitter. Criteria: ACMG Guidelines, 2015. Collection method: clinical testing. Allele origin: germline.

Clinical Genomics Laboratory, Stanford Medicine
Classification: Uncertain significance for Becker muscular dystrophy. Last evaluated: 2021-06-29. Review status: criteria provided, single submitter. Criteria: ACMG Guidelines, 2015. Collection method: clinical testing. Allele origin: germline. Affected: yes. Observed: 1 hemizygote.
Comment: The p.Ile99Val variant in the DMDgene has not been previously reported in association with disease.This variant has been identified in 13/205,192 chromosomes by the Genome Aggregation Database, including in 3 hemizygotes.The isoleucine at position99 is highly evolutionarily conserved and computational tools predict that the p.Ile99Val variant is deleterious; however, the accuracy of in silicoalgorithms is limited.These data were assessed using the ACMG/AMP variant interpretation guidelines. In summary, the significance of the p.Ile99Valvariant is uncertain;however, population frequency data suggests that this variant is more likely to be benign than pathogenic. Additional information is needed to resolve the significance of this variant.[ACMG evidence codes used: PP3]

Eurofins Ntd Llc (ga)
Classification: Uncertain significance. Last evaluated: 2017-09-06. Review status: criteria provided, single submitter. Criteria: EGL Classification Definitions 2015. Collection method: clinical testing. Allele origin: germline. Observed: 5 variant alleles, 5 heterozygotes.

Fulgent Genetics
Classification: Uncertain significance for Becker muscular dystrophy; Dilated cardiomyopathy 3B; Duchenne muscular dystrophy. Last evaluated: 2017-05-23. Review status: criteria provided, single submitter. Criteria: ACMG Guidelines, 2015. Collection method: clinical testing. Allele origin: unknown.

Genetic Services Laboratory, University of Chicago
Classification: Uncertain significance. Last evaluated: 2016-12-07. Review status: criteria provided, single submitter. Criteria: ACMG Guidelines, 2015. Collection method: clinical testing. Allele origin: germline. Affected: no.

NM_004006.3(DMD):c.295A>G (p.Ile99Val)

Gene: DMD (dystrophin; minus strand). Cytogenetic location: Xp21.1.
Variant type: single nucleotide variant.
Coding change: c.295A>G on transcript NM_004006.3 (MANE Select); coding-DNA position 295, A replaced by G.
Protein change: p.Ile99Val; replaces isoleucine 99 with valine.
Molecular consequence: missense variant. On other transcripts: 5 prime UTR variant (1).
Genome position (GRCh38, 1-based): chrX:32,823,357, T>C on the plus strand (A>G on the coding strand, the complement: DMD is on the minus strand). VCF-style: chrX-32823357-T-C. GRCh37 (hg19) VCF-style: chrX-32841474-T-C.
Other names: p.I99V:ATC>GTC; c.271A>G, p.Ile91Val (NM_000109.4); c.283A>G, p.Ile95Val (NM_004009.3); c.-75A>G (NM_004010.3); short protein forms I99V, I95V, I91V.
Identifiers: ClinVar variation 166867 (VCV000166867.30), dbSNP rs149428656, ClinGen allele CA295602.